The following is an entry in ClinVar:

ClinVar aggregate classification (germline): Uncertain significance (1 of 4 stars; one submission).

Submission:

Labcorp Genetics (formerly Invitae), Labcorp
Classification: Uncertain significance. Last evaluated: 2024-06-12. Review status: criteria provided, single submitter. Criteria: Invitae Variant Classification Sherloc (09022015). Collection method: clinical testing. Allele origin: germline.
Comment: This sequence change replaces arginine, which is basic and polar, with tryptophan, which is neutral and slightly polar, at codon 400 of the ACTN1 protein (p.Arg400Trp). This variant is present in population databases (rs756549401, gnomAD 0.003%). This variant has not been reported in the literature in individuals affected with ACTN1-related conditions. Advanced modeling of protein sequence and biophysical properties (such as structural, functional, and spatial information, amino acid conservation, physicochemical variation, residue mobility, and thermodynamic stability) performed at Invitae indicates that this missense variant is not expected to disrupt ACTN1 protein function with a negative predictive value of 80%. In summary, the available evidence is currently insufficient to determine the role of this variant in disease. Therefore, it has been classified as a Variant of Uncertain Significance.

NM_001130004.2(ACTN1):c.1198C>T (p.Arg400Trp)

Gene: ACTN1 (actinin alpha 1; minus strand). Cytogenetic location: 14q24.1.
Variant type: single nucleotide variant.
Coding change: c.1198C>T on transcript NM_001130004.2 (MANE Select); coding-DNA position 1198, C replaced by T.
Protein change: p.Arg400Trp; replaces arginine 400 with tryptophan.
Molecular consequence: missense variant.
Genome position (GRCh38, 1-based): chr14:68,890,175, G>A on the plus strand (C>T on the coding strand, the complement: ACTN1 is on the minus strand). VCF-style: chr14-68890175-G-A. GRCh37 (hg19) VCF-style: chr14-69356892-G-A.
Other names: c.1198C>T, p.Arg400Trp (NM_001424027.1, NM_001424029.1, NM_001102.4 and 9 more transcripts); c.1003C>T, p.Arg335Trp (NM_001424028.1, NM_001411036.1, NM_001424026.1); c.373C>T, p.Arg125Trp (NM_001424030.1); c.1324C>T, p.Arg442Trp (NM_001424013.1); c.1285C>T, p.Arg429Trp (NM_001424015.1); c.1195C>T, p.Arg399Trp (NM_001424017.1); c.1135C>T, p.Arg379Trp (NM_001424018.1, NM_001424020.1, NM_001424022.1); c.1129C>T, p.Arg377Trp (NM_001424021.1); short protein forms R125W, R335W, R377W, R379W, R399W, R400W, R429W, R442W.
Identifiers: ClinVar variation 3622908 (VCV003622908.2).